The following is an entry in ClinVar:

ClinVar aggregate classification (germline): Uncertain significance (1 of 4 stars; one submission).

gnomAD v4.1: 1 of 1,613,760 alleles (0.000062%); highest among the groups gnomAD compares: Non-Finnish European, 0.000085%; no homozygotes.

Submission:

Labcorp Genetics (formerly Invitae), Labcorp
Classification: Uncertain significance. Last evaluated: 2025-04-11. Review status: criteria provided, single submitter. Criteria: Invitae Variant Classification Sherloc (09022015). Collection method: clinical testing. Allele origin: germline.
Comment: This sequence change replaces isoleucine, which is neutral and non-polar, with valine, which is neutral and non-polar, at codon 428 of the PLD3 protein (p.Ile428Val). This variant is present in population databases (no rsID available, gnomAD 0.0009%). This variant has not been reported in the literature in individuals affected with PLD3-related conditions. An algorithm developed to predict the effect of missense changes on protein structure and function (PolyPhen-2) suggests that this variant is likely to be tolerated. In summary, the available evidence is currently insufficient to determine the role of this variant in disease. Therefore, it has been classified as a Variant of Uncertain Significance.

NM_012268.4(PLD3):c.1282A>G (p.Ile428Val)

Gene: PLD3 (phospholipase D family member 3; plus strand). Cytogenetic location: 19q13.2.
Variant type: single nucleotide variant.
Coding change: c.1282A>G on transcript NM_012268.4 (MANE Select); coding-DNA position 1282, A replaced by G.
Protein change: p.Ile428Val; replaces isoleucine 428 with valine.
Molecular consequence: missense variant.
Genome position (GRCh38, 1-based): chr19:40,377,882, A>G. VCF-style: chr19-40377882-A-G. GRCh37 (hg19) VCF-style: chr19-40883789-A-G.
Other names: c.1282A>G, p.Ile428Val (NM_001031696.4, NM_001291311.2); short protein forms I428V.
Identifiers: ClinVar variation 4701419 (VCV004701419.1).
Genomic context (GRCh38, chr19:40,377,882, plus strand): 5'-CGAATCCCATATGCCCGTGTCAACCACAACAAGTACATGGTGACTGAACGCGCCACCTAC[A>G]TCGGTGAGTGTCTTGAGCACCACGGGGCGCTGAAGAAGAGGGGGTTCAGACACCAGGGGC-3'
Protein context (NP_036400.2, residues 418-438): KYMVTERATY[Ile428Val]GTSNWSGNYF